The following is an entry in ClinVar:

ClinVar aggregate classification (germline): Benign. Review status: criteria provided, multiple submitters, no conflicts (2 of 4 stars). 2 submissions from 2 submitters: Benign (2). Last evaluated 2021-06-09.

Allele frequency attached by ClinVar (database versions not stated): 1000 Genomes Project 30x 0.08307; 1000 Genomes Project 0.08327; TOPMed 0.09468; gnomAD 0.09698 and 0.09787; gnomAD exomes 0.11929 and 0.11068; ESP Exome Variant Server 0.10095; ExAC 0.11068.
gnomAD v4.1: 189,388 of 1,613,892 alleles (12%); highest among the groups gnomAD compares: Middle Eastern, 16%; 11,807 homozygotes.

Submissions (2):

GeneDx
Classification: Benign. Last evaluated: 2021-06-09. Review status: criteria provided, single submitter. Criteria: GeneDx Variant Classification Process June 2021. Collection method: clinical testing. Allele origin: germline. Affected: yes.
Comment: This variant is associated with the following publications: (PMID: 17122126)

Breakthrough Genomics
Classification: Benign. Review status: criteria provided, single submitter. Criteria: ACMG Guidelines, 2015. Collection method: not provided. Allele origin: germline. Inheritance: Unknown mechanism. Affected: yes.

NM_058164.4(OLFM2):c.1281C>T (p.Arg427=)

Gene: OLFM2 (olfactomedin 2; minus strand). Cytogenetic location: 19p13.2.
Variant type: single nucleotide variant.
Coding change: c.1281C>T on transcript NM_058164.4 (MANE Select); coding-DNA position 1281, C replaced by T.
Protein change: p.Arg427=; no amino-acid change (arginine 427 retained).
Molecular consequence: synonymous variant.
Genome position (GRCh38, 1-based): chr19:9,854,270, G>A on the plus strand (C>T on the coding strand, the complement: OLFM2 is on the minus strand). VCF-style: chr19-9854270-G-A. GRCh37 (hg19) VCF-style: chr19-9964946-G-A.
Other names: c.1353C>T, p.Arg451= (NM_001304347.2); c.1047C>T, p.Arg349= (NM_001304348.2).
Identifiers: ClinVar variation 1238007 (VCV001238007.4), dbSNP rs11556088, ClinGen allele CA9181211.
Genomic context (GRCh38, chr19:9,854,270, plus strand): 5'-GACGTGAAACAGGGTGACATTGTAGAGCACCTGGTGGCCGTTGTTCCAGGTATAGAGGGC[G>A]CGCTCCCGGGGGTTGTAATCCAGCATCGAGATGTGGGAATACTGGTTGTGGAAGGGCACG-3'
Protein context (NP_477512.1, residues 417-437): ISMLDYNPRE[Arg427=]ALYTWNNGHQ